The following is an entry in ClinVar:

ClinVar aggregate classification (germline): Likely benign. Review status: criteria provided, single submitter (1 of 4 stars). 2 submissions from 2 submitters: Likely benign (1). 1 of the submissions does not count toward it. Last evaluated 2025-11-25.

Conditions:
ERCC4-related disorder. Also called: ERCC4-related condition.
Cockayne syndrome. Identifiers: Orphanet 191, MedGen C0009207, MONDO:0016006.
Xeroderma pigmentosum, group F (XPF). Also called: ERCC4-Related Xeroderma Pigmentosum; XERODERMA PIGMENTOSUM, COMPLEMENTATION GROUP F; XERODERMA PIGMENTOSUM VI; XP, GROUP F; XERODERMA PIGMENTOSUM, TYPE F; Xeroderma pigmentosum, type 6. Identifiers: MedGen C0268140, MONDO:0010215, OMIM 278760.
Fanconi anemia complementation group Q. Identifiers: Orphanet 84, MedGen C3808988, MONDO:0014108, OMIM 615272.

Allele frequency attached by ClinVar (database versions not stated): 1000 Genomes Project 30x 0.00016; 1000 Genomes Project 0.00020; TOPMed below 0.00001; gnomAD exomes 0.00001; ExAC 0.00002; gnomAD 0.00002.
gnomAD v4.1: 16 of 1,614,090 alleles (0.00099%); highest among the groups gnomAD compares: South Asian, 0.012%; no homozygotes.

Submissions (2):

Labcorp Genetics (formerly Invitae), Labcorp
Classification: Likely benign for Fanconi anemia complementation group Q; Xeroderma pigmentosum, group F; Cockayne syndrome. Last evaluated: 2025-11-25. Review status: criteria provided, single submitter. Criteria: Invitae Variant Classification Sherloc (09022015). Collection method: clinical testing. Allele origin: germline.

PreventionGenetics, part of Exact Sciences
Classification: Likely benign for ERCC4-related condition. Last evaluated: 2024-07-03. Review status: no assertion criteria provided. Collection method: clinical testing. Allele origin: germline. Not counted in ClinVar's aggregate classification.
Comment: This variant is classified as likely benign based on ACMG/AMP sequence variant interpretation guidelines (Richards et al. 2015 PMID: 25741868, with internal and published modifications).

NM_005236.3(ERCC4):c.1689C>G (p.Pro563=)

Gene: ERCC4 (ERCC excision repair 4, endonuclease catalytic subunit; plus strand). Cytogenetic location: 16p13.12.
Variant type: single nucleotide variant.
Coding change: c.1689C>G on transcript NM_005236.3 (MANE Select); coding-DNA position 1689, C replaced by G.
Protein change: p.Pro563=; no amino-acid change (proline 563 retained).
Molecular consequence: synonymous variant.
Genome position (GRCh38, 1-based): chr16:13,935,621, C>G. VCF-style: chr16-13935621-C-G. GRCh37 (hg19) VCF-style: chr16-14029478-C-G.
Identifiers: ClinVar variation 2164438 (VCV002164438.5), dbSNP rs553999029, ClinGen allele CA7910515.
Genomic context (GRCh38, chr16:13,935,621, plus strand): 5'-TTTCGGAATCCTGAAAGAACCCCTCACTATCATCCATCCGCTTCTGGGTTGCAGCGACCC[C>G]TATGCTCTGACAAGGGTACTACATGAAGTGGAGCCAAGATACGTGGTTCTTTATGACGCA-3'
Protein context (NP_005227.1, residues 553-573): IIHPLLGCSD[Pro563=]YALTRVLHEV